The following is an entry in ClinVar:

ClinVar aggregate classification (germline): Uncertain significance (1 of 4 stars; one submission).

Conditions:
Short-rib thoracic dysplasia 11 with or without polydactyly (SRTD11). Also called: SHORT-RIB THORACIC DYSPLASIA 11 WITHOUT POLYDACTYLY. Identifiers: Orphanet 474, Orphanet 93271, MedGen C3810200, MONDO:0014287, OMIM 615633.

Submission:

Labcorp Genetics (formerly Invitae), Labcorp
Classification: Uncertain significance for Short-rib thoracic dysplasia 11 with or without polydactyly. Last evaluated: 2021-12-25. Review status: criteria provided, single submitter. Criteria: Invitae Variant Classification Sherloc (09022015). Collection method: clinical testing. Allele origin: germline.
Comment: Algorithms developed to predict the effect of missense changes on protein structure and function (SIFT, PolyPhen-2, Align-GVGD) all suggest that this variant is likely to be tolerated. Algorithms developed to predict the effect of sequence changes on RNA splicing suggest that this variant may create or strengthen a splice site. In summary, the available evidence is currently insufficient to determine the role of this variant in disease. Therefore, it has been classified as a Variant of Uncertain Significance. This variant has not been reported in the literature in individuals affected with WDR34-related conditions. This sequence change replaces alanine, which is neutral and non-polar, with valine, which is neutral and non-polar, at codon 536 of the WDR34 protein (p.Ala536Val). This variant is not present in population databases (gnomAD no frequency).

NM_052844.4(DYNC2I2):c.1607C>T (p.Ala536Val)

Gene: DYNC2I2 (dynein 2 intermediate chain 2; minus strand). Cytogenetic location: 9q34.11.
Variant type: single nucleotide variant.
Coding change: c.1607C>T on transcript NM_052844.4 (MANE Select); coding-DNA position 1607, C replaced by T.
Protein change: p.Ala536Val; replaces alanine 536 with valine.
Molecular consequence: missense variant.
Genome position (GRCh38, 1-based): chr9:128,633,748, G>A on the plus strand (C>T on the coding strand, the complement: DYNC2I2 is on the minus strand). VCF-style: chr9-128633748-G-A. GRCh37 (hg19) VCF-style: chr9-131396027-G-A.
Other names: short protein forms A536V.
Identifiers: ClinVar variation 2182498 (VCV002182498.4), dbSNP rs2542420838, ClinGen allele CA375105318.